The following is an entry in ClinVar:

NM_024514.5(CYP2R1):c.1364G>A (p.Arg455Gln)

Genes: CYP2R1 (cytochrome P450 family 2 subfamily R member 1; minus strand), PDE3B (phosphodiesterase 3B; plus strand). Cytogenetic location: 11p15.2.
Variant type: single nucleotide variant.
Coding change: c.1364G>A on transcript NM_024514.5 (MANE Select); coding-DNA position 1364, G replaced by A.
Protein change: p.Arg455Gln; replaces arginine 455 with glutamine.
Molecular consequence: missense variant.
Genome position (GRCh38, 1-based): chr11:14,878,264, C>T on the plus strand (G>A on the coding strand, the complement: CYP2R1 is on the minus strand). VCF-style: chr11-14878264-C-T. GRCh37 (hg19) VCF-style: chr11-14899810-C-T.
Other names: c.1019G>A, p.Arg340Gln (NM_001377214.1, NM_001377215.1, NM_001377216.1 and 1 more transcripts); c.1202G>A, p.Arg401Gln (NM_001377217.1); short protein forms R340Q, R401Q, R455Q.
Identifiers: ClinVar variation 1391635 (VCV001391635.4), dbSNP rs781875625, ClinGen allele CA5896487.
Genomic context (GRCh38, chr11:14,878,264, plus strand): 5'-TGTGGAAAATGCAAATGAAACCTCTGAAGCAATGCTGTAAAAAACAAGAACATTTCCATC[C>T]GAGCCAAGTGTTCTCCAAGACAATGTCTTCTTCCTAAACAGAAAAAGCAGATACAATAAT-3'
Protein context (NP_078790.2, residues 445-465): RRHCLGEHLA[Arg455Gln]MEMFLFFTAL

ClinVar aggregate classification (germline): Uncertain significance. Review status: criteria provided, multiple submitters, no conflicts (2 of 4 stars). 2 submissions from 2 submitters: Uncertain significance (2). Last evaluated 2022-02-08.

Conditions:
Vitamin D hydroxylation-deficient rickets, type 1B. Also called: Rickets due to Defect in Vitamin D 25-hydroxylation; PSEUDOVITAMIN D3 DEFICIENCY RICKETS DUE TO 25-HYDROXYLASE DEFICIENCY; VITAMIN D-DEPENDENT RICKETS, TYPE 1B. Identifiers: Orphanet 289157, MedGen C1838657, MONDO:0010810, OMIM 600081.

Allele frequency attached by ClinVar (database versions not stated): TOPMed 0.00001; ExAC 0.00002; gnomAD exomes 0.00002 and 0.00001.
gnomAD v4.1: 21 of 1,612,954 alleles (0.0013%); highest among the groups gnomAD compares: African/African-American, 0.0027%; no homozygotes.

Submissions (2):

Fulgent Genetics
Classification: Uncertain significance for Vitamin D hydroxylation-deficient rickets, type 1B. Last evaluated: 2022-02-08. Review status: criteria provided, single submitter. Criteria: ACMG Guidelines, 2015. Collection method: clinical testing. Allele origin: unknown.

Labcorp Genetics (formerly Invitae), Labcorp
Classification: Uncertain significance. Last evaluated: 2021-12-15. Review status: criteria provided, single submitter. Criteria: Invitae Variant Classification Sherloc (09022015). Collection method: clinical testing. Allele origin: germline.
Comment: This sequence change replaces arginine, which is basic and polar, with glutamine, which is neutral and polar, at codon 455 of the CYP2R1 protein (p.Arg455Gln). This variant is present in population databases (rs781875625, gnomAD 0.007%). This variant has not been reported in the literature in individuals affected with CYP2R1-related conditions. Algorithms developed to predict the effect of missense changes on protein structure and function (SIFT, PolyPhen-2, Align-GVGD) all suggest that this variant is likely to be disruptive. In summary, the available evidence is currently insufficient to determine the role of this variant in disease. Therefore, it has been classified as a Variant of Uncertain Significance.